The following is an entry in ClinVar:

NM_006306.4(SMC1A):c.3632T>A (p.Val1211Glu)

Gene: SMC1A (structural maintenance of chromosomes 1A; minus strand). Cytogenetic location: Xp11.22.
Variant type: single nucleotide variant.
Coding change: c.3632T>A on transcript NM_006306.4 (MANE Select); coding-DNA position 3632, T replaced by A.
Protein change: p.Val1211Glu; replaces valine 1211 with glutamic acid.
Molecular consequence: missense variant.
Genome position (GRCh38, 1-based): chrX:53,380,173, A>T on the plus strand (T>A on the coding strand, the complement: SMC1A is on the minus strand). VCF-style: chrX-53380173-A-T. GRCh37 (hg19) VCF-style: chrX-53407094-A-T.
Other names: c.3566T>A, p.Val1189Glu (NM_001281463.1); short protein forms V1189E, V1211E.
Identifiers: ClinVar variation 4536517 (VCV004536517.1).

ClinVar aggregate classification (germline): Uncertain significance (1 of 4 stars; one submission).

Submission:

GeneDx
Classification: Uncertain significance. Last evaluated: 2025-06-03. Review status: criteria provided, single submitter. Criteria: GeneDx Variant Classification Process June 2021. Collection method: clinical testing. Allele origin: germline. Affected: yes.
Comment: Not observed at significant frequency in large population cohorts (gnomAD); Missense variants in this gene are a common cause of disease and they are underrepresented in the general population; In silico analysis supports that this missense variant has a deleterious effect on protein structure/function; Has not been previously published as pathogenic or benign to our knowledge